The following is an entry in ClinVar:

ClinVar aggregate classification (germline): Uncertain significance (1 of 4 stars; one submission).

Submission:

Labcorp Genetics (formerly Invitae), Labcorp
Classification: Uncertain significance. Last evaluated: 2022-06-25. Review status: criteria provided, single submitter. Criteria: Invitae Variant Classification Sherloc (09022015). Collection method: clinical testing. Allele origin: germline.
Comment: In summary, the available evidence is currently insufficient to determine the role of this variant in disease. Therefore, it has been classified as a Variant of Uncertain Significance. Experimental studies and prediction algorithms are not available or were not evaluated, and the functional significance of this variant is currently unknown. This variant has not been reported in the literature in individuals affected with KMT2B-related conditions. This variant is not present in population databases (gnomAD no frequency). This variant, c.2907_2915del, results in the deletion of 3 amino acid(s) of the KMT2B protein (p.Arg970_Cys972del), but otherwise preserves the integrity of the reading frame.

NM_014727.3(KMT2B):c.2907_2915del (p.Arg970_Cys972del)

Gene: KMT2B (lysine methyltransferase 2B; plus strand). Cytogenetic location: 19q13.12.
Variant type: Deletion.
Coding change: c.2907_2915del on transcript NM_014727.3 (MANE Select); coding-DNA positions 2907 to 2915, 9 bases deleted (TCGGGGCTG; older notation c.2907_2915delTCGGGGCTG).
Protein change: p.Arg970_Cys972del.
Molecular consequence: inframe deletion.
Genome position (GRCh38, 1-based): chr19:35,723,179-35,723,187, TCGGGGCTG deleted; deleting any 9 consecutive bases within chr19:35,723,176-35,723,187 gives the same sequence; the c. name uses the placement nearest the transcript's 3' end. VCF-style (leftmost placement, unchanged base first): chr19-35723175-ACTGTCGGGG-A. GRCh37 (hg19) VCF-style: chr19-36214077-ACTGTCGGGG-A.
Identifiers: ClinVar variation 2010685 (VCV002010685.4), dbSNP rs2513323435, ClinGen allele CA2580096949.